The following is an entry in ClinVar:

NM_005670.4(EPM2A):c.58C>G (p.Leu20Val)

Genes: EPM2A (EPM2A glucan phosphatase, laforin; minus strand), EPM2A-DT (EPM2A divergent transcript; plus strand), LOC129997381 (ATAC-STARR-seq lymphoblastoid silent region 17642; plus strand). Cytogenetic location: 6q24.3.
Variant type: single nucleotide variant.
Coding change: c.58C>G on transcript NM_005670.4 (MANE Select); coding-DNA position 58, C replaced by G.
Protein change: p.Leu20Val; replaces leucine 20 with valine.
Molecular consequence: missense variant. On other transcripts: 5 prime UTR variant (3), intron variant (1).
Genome position (GRCh38, 1-based): chr6:145,735,441, G>C on the plus strand (C>G on the coding strand, the complement: EPM2A is on the minus strand). VCF-style: chr6-145735441-G-C. GRCh37 (hg19) VCF-style: chr6-146056577-G-C.
Other names: c.58C>G, p.Leu20Val (NM_001018041.2, NM_001360057.2, NM_001368130.1); c.-612C>G (NM_001360071.2); c.-566C>G (NM_001368129.2); c.-310C>G (NM_001368131.1); c.-114+467C>G (NM_001360064.2); short protein forms L20V.
Identifiers: ClinVar variation 2009316 (VCV002009316.4), dbSNP rs2128649954, ClinGen allele CA366188553.
Genomic context (GRCh38, chr6:145,735,441, plus strand): 5'-GGCGGACGGCACCGCGCGGCTCCCAACGCCCCAGCTCGGGCCGCGACCCCACCACCAGCA[G>C]CTCCGGCCGGGCGCCGGCCACGGCGGGTGGCACCACCACCCCAAAGCGGAAGCGCATGGC-3'
Protein context (NP_005661.1, residues 10-30): PPAVAGARPE[Leu20Val]LVVGSRPELG

ClinVar aggregate classification (germline): Uncertain significance (1 of 4 stars; one submission).

Conditions:
Progressive myoclonic epilepsy. Also called: Familial progressive myoclonic epilepsy; Myoclonic Epilepsies, Progressive; Progressive myoclonus epilepsy; Myoclonus epilepsy. Identifiers: Orphanet 308, Orphanet 98261, MedGen C0751778, MONDO:0020074.

Submission:

Labcorp Genetics (formerly Invitae), Labcorp
Classification: Uncertain significance for Progressive myoclonic epilepsy. Last evaluated: 2022-06-22. Review status: criteria provided, single submitter. Criteria: Invitae Variant Classification Sherloc (09022015). Collection method: clinical testing. Allele origin: germline.
Comment: Algorithms developed to predict the effect of missense changes on protein structure and function (SIFT, PolyPhen-2, Align-GVGD) all suggest that this variant is likely to be tolerated. This variant has not been reported in the literature in individuals affected with EPM2A-related conditions. This variant is not present in population databases (gnomAD no frequency). This sequence change replaces leucine, which is neutral and non-polar, with valine, which is neutral and non-polar, at codon 20 of the EPM2A protein (p.Leu20Val). In summary, the available evidence is currently insufficient to determine the role of this variant in disease. Therefore, it has been classified as a Variant of Uncertain Significance.